The following is an entry in ClinVar:

ClinVar aggregate classification (germline): Likely pathogenic (1 of 4 stars; one submission).

Conditions:
Hereditary cancer-predisposing syndrome. Also called: Neoplastic Syndromes, Hereditary; Hereditary Cancer Syndrome; Hereditary neoplastic syndrome; Tumor predisposition. Identifiers: Orphanet 140162, MedGen C0027672, MeSH D009386, MONDO:0015356.

Submission:

Ambry Genetics
Classification: Likely pathogenic for Hereditary cancer-predisposing syndrome. Last evaluated: 2017-07-06. Review status: criteria provided, single submitter. Criteria: Ambry Variant Classification Scheme 2023. Collection method: clinical testing. Allele origin: germline.
Comment: The c.8488-1_8496del10insCT variant results from the deletion of 10 nucleotides and insertion of 2 nucleotides at positions c.8488-1 to c.8496 in the BRCA2 gene. Based on nucleotide sequence alignment, this region is highly conserved in available vertebrate species. This alteration is predicted to abolish the native splice acceptor site by the ESEfinder in silico model; however experimental evidence is not currently available. Another alteration impacting this splice acceptor site (c.8488-1G>A) has been shown to result in aberrant splicing (Acedo et al Breast Cancer Res. 2012; 25:14(3):R87; Santos C et al J Mol Diagn. 2014;16(3):324-34; Acedo et al Hum Mutat. 2015;36(2):210-21). Alterations that disrupt the canonical splice site are expected to cause aberrant splicing, resulting in an abnormal protein or a transcript that is subject to nonsense-mediated mRNA decay. As such, the c.8488-1_8496del10insCT alteration is classified as likely pathogenic.

NM_000059.4(BRCA2):c.8488-1_8496delinsCT

Gene: BRCA2 (BRCA2 DNA repair associated; plus strand). Cytogenetic location: 13q13.1.
Variant type: Indel.
Coding change: c.8488-1_8496delinsCT on transcript NM_000059.4 (MANE Select); the canonical splice acceptor site of the intron before coding-DNA position 8488 through coding-DNA position 8496, GTGGATGGAG replaced by CT.
Molecular consequence: splice acceptor variant.
Genome position (GRCh38, 1-based): chr13:32,370,955-32,370,964, GTGGATGGAG replaced by CT. VCF-style: chr13-32370955-GTGGATGGAG-CT. GRCh37 (hg19) VCF-style: chr13-32945092-GTGGATGGAG-CT.
Other names: c.8488-1_8496del10insCT (NM_000059.3).
Identifiers: ClinVar variation 479397 (VCV000479397.5), dbSNP rs1555287731, ClinGen allele CA658656379.